The following is an entry in ClinVar:

ClinVar aggregate classification (germline): Uncertain significance. Review status: criteria provided, multiple submitters, no conflicts (2 of 4 stars). 4 submissions from 4 submitters: Uncertain significance (4). Last evaluated 2023-12-06.

Conditions:
Familial thoracic aortic aneurysm and aortic dissection (TAAD). Also called: Thoracic aortic aneurysms and dissections. Identifiers: Orphanet 91387, MedGen C4707243, MONDO:0019625.
Aortic aneurysm, familial thoracic 4 (AAT4). Also called: AORTIC ANEURYSM/AORTIC DISSECTION AND PATENT DUCTUS ARTERIOSUS. Identifiers: MedGen C1851504, MONDO:0007568, OMIM 132900.

Allele frequency attached by ClinVar (database versions not stated): gnomAD 0.00001; ExAC 0.00002; gnomAD exomes 0.00002; 1000 Genomes Project 0.00020; 1000 Genomes Project 30x 0.00031.
gnomAD v4.1: 3 of 1,612,200 alleles (0.00019%); highest among the groups gnomAD compares: Admixed American, 0.0017%; no homozygotes.

Submissions (4):

Color Diagnostics, LLC DBA Color Health
Classification: Uncertain significance for Familial thoracic aortic aneurysm and aortic dissection. Last evaluated: 2023-12-06. Review status: criteria provided, single submitter. Criteria: ACMG Guidelines, 2015. Collection method: clinical testing. Allele origin: germline.
Comment: This missense variant replaces arginine with glutamine at codon 169 of the MYH11 protein. Computational prediction tools indicate that this variant's impact on protein structure and function is inconclusive. To our knowledge, functional studies have not been reported for this variant. This variant has not been reported in individuals affected with MYH11-related disorders in the literature. This variant has been identified in 4/251026 chromosomes in the general population by the Genome Aggregation Database (gnomAD). The available evidence is insufficient to determine the role of this variant in disease conclusively. Therefore, this variant is classified as a Variant of Uncertain Significance.

All of Us Research Program, National Institutes of Health
Classification: Uncertain significance for Familial thoracic aortic aneurysm and aortic dissection. Last evaluated: 2023-10-30. Review status: criteria provided, single submitter. Criteria: ACMG Guidelines, 2015. Collection method: clinical testing. Allele origin: germline. Inheritance: Autosomal dominant inheritance. Observed: 1 variant allele, 1 heterozygote.
Comment: Variant of Uncertain Significance due to insufficient evidence: This missense variant is located in the myosin motor domain of the MYH11 protein. Computational prediction tools and conservation analyses suggest that this variant may have deleterious impact on the protein function. Computational splicing tools suggest that this variant may not impact RNA splicing. To our knowledge, functional assays have not been performed for this variant nor has this variant been reported in individuals affected with cardiovascular disorders in the literature. This variant has been identified in 4/245910 chromosomes in the general population by the Genome Aggregation Database (gnomAD). Available evidence is insufficient to determine the pathogenicity of this variant conclusively.

This study involves interpretation of variants in research participants for the purpose of population health screening. Participant phenotype was not available at the time of variant classification. Additional details can be found in publication PMID: 35346344, PMCID: PMC8962531

Labcorp Genetics (formerly Invitae), Labcorp
Classification: Uncertain significance for Aortic aneurysm, familial thoracic 4. Last evaluated: 2022-02-08. Review status: criteria provided, single submitter. Criteria: Invitae Variant Classification Sherloc (09022015). Collection method: clinical testing. Allele origin: germline.
Comment: ClinVar contains an entry for this variant (Variation ID: 926400). In summary, the available evidence is currently insufficient to determine the role of this variant in disease. Therefore, it has been classified as a Variant of Uncertain Significance. Algorithms developed to predict the effect of sequence changes on RNA splicing suggest that this variant may create or strengthen a splice site. Algorithms developed to predict the effect of missense changes on protein structure and function are either unavailable or do not agree on the potential impact of this missense change (SIFT: "Deleterious"; PolyPhen-2: "Probably Damaging"; Align-GVGD: "Class C0"). This variant has not been reported in the literature in individuals affected with MYH11-related conditions. This variant is present in population databases (rs539539812, gnomAD 0.003%). This sequence change replaces arginine, which is basic and polar, with glutamine, which is neutral and polar, at codon 169 of the MYH11 protein (p.Arg169Gln).

Ambry Genetics
Classification: Uncertain significance for Familial thoracic aortic aneurysm and aortic dissection. Last evaluated: 2018-02-08. Review status: criteria provided, single submitter. Criteria: Ambry Variant Classification Scheme 2023. Collection method: clinical testing. Allele origin: germline.
Comment: The p.R169Q variant (also known as c.506G>A), located in coding exon 3 of the MYH11 gene, results from a G to A substitution at nucleotide position 506. The arginine at codon 169 is replaced by glutamine, an amino acid with highly similar properties. This amino acid position is highly conserved in available vertebrate species. In addition, the in silico prediction for this alteration is inconclusive. Since supporting evidence is limited at this time, the clinical significance of this alteration remains unclear.

NM_002474.3(MYH11):c.506G>A (p.Arg169Gln)

Gene: MYH11 (myosin heavy chain 11; minus strand). Cytogenetic location: 16p13.11.
Variant type: single nucleotide variant.
Coding change: c.506G>A on transcript NM_002474.3 (MANE Select); coding-DNA position 506, G replaced by A.
Protein change: p.Arg169Gln; replaces arginine 169 with glutamine.
Molecular consequence: missense variant.
Genome position (GRCh38, 1-based): chr16:15,798,684, C>T on the plus strand (G>A on the coding strand, the complement: MYH11 is on the minus strand). VCF-style: chr16-15798684-C-T. GRCh37 (hg19) VCF-style: chr16-15892541-C-T.
Other names: c.506G>A, p.Arg169Gln (NM_001040113.2, NM_001040114.2, NM_022844.3); short protein forms R169Q.
Identifiers: ClinVar variation 926400 (VCV000926400.14), dbSNP rs539539812, ClinGen allele CA7923019.